The following is an entry in ClinVar:

NM_014391.3(ANKRD1):c.337G>T (p.Glu113Ter)

Gene: ANKRD1 (ankyrin repeat domain 1; minus strand). Cytogenetic location: 10q23.31.
Variant type: single nucleotide variant.
Coding change: c.337G>T on transcript NM_014391.3 (MANE Select); coding-DNA position 337, G replaced by T.
Protein change: p.Glu113Ter; replaces glutamic acid 113 with a stop codon.
Molecular consequence: nonsense.
Genome position (GRCh38, 1-based): chr10:90,919,139, C>A on the plus strand (G>T on the coding strand, the complement: ANKRD1 is on the minus strand). VCF-style: chr10-90919139-C-A. GRCh37 (hg19) VCF-style: chr10-92678896-C-A.
Other names: short protein forms E113*.
Identifiers: ClinVar variation 2560629 (VCV002560629.3), dbSNP rs183324142, ClinGen allele CA5598800.
Genomic context (GRCh38, chr10:90,919,139, plus strand): 5'-TGTAGCACAACACTGGACATGTATTACTGGAAACCAAAAAAAAAGCCCTTACAATGATTT[C>A]AGGTTCTGGTTCCTTTACAACTGGAACTTTAGTTTTCCTGTATTTTTTCCTTTTCTTCAG-3'

ClinVar aggregate classification (germline): Uncertain significance. Review status: criteria provided, multiple submitters, no conflicts (2 of 4 stars). 2 submissions from 2 submitters: Uncertain significance (2). Last evaluated 2024-12-12.

Conditions:
Cardiovascular phenotype. Identifiers: MedGen CN230736.

Allele frequency attached by ClinVar (database versions not stated): ExAC 0.00001; gnomAD 0.00001; 1000 Genomes Project 0.00020; 1000 Genomes Project 30x 0.00031.

Submissions (2):

GeneDx
Classification: Uncertain significance. Last evaluated: 2024-12-12. Review status: criteria provided, single submitter. Criteria: GeneDx Variant Classification Process June 2021. Collection method: clinical testing. Allele origin: germline. Affected: yes.
Comment: Nonsense variant predicted to result in protein truncation or nonsense mediated decay in a gene or region of a gene for which loss of function is not an established mechanism of disease; Not observed at significant frequency in large population cohorts (gnomAD); Has not been previously published as pathogenic or benign to our knowledge

Ambry Genetics
Classification: Uncertain significance for Cardiovascular phenotype. Last evaluated: 2023-03-22. Review status: criteria provided, single submitter. Criteria: Ambry Variant Classification Scheme 2023. Collection method: clinical testing. Allele origin: germline.
Comment: The p.E113* variant (also known as c.337G>T), located in coding exon 3 of the ANKRD1 gene, results from a G to T substitution at nucleotide position 337. This changes the amino acid from a glutamic acid to a stop codon within coding exon 3. This alteration is expected to result in protein truncation or nonsense-mediated mRNA decay. However, loss of function of ANKRD1 has not been established as a mechanism of disease. The evidence for this gene-disease relationship is limited; therefore, the clinical significance of this alteration is unclear.